The following is an entry in ClinVar:

NM_001256012.3(MYH10):c.1838T>C (p.Val613Ala)

Gene: MYH10 (myosin heavy chain 10; minus strand). Cytogenetic location: 17p13.1.
Variant type: single nucleotide variant.
Coding change: c.1838T>C on transcript NM_001256012.3 (MANE Select); coding-DNA position 1838, T replaced by C.
Protein change: p.Val613Ala; replaces valine 613 with alanine.
Molecular consequence: missense variant.
Genome position (GRCh38, 1-based): chr17:8,535,443, A>G on the plus strand (T>C on the coding strand, the complement: MYH10 is on the minus strand). VCF-style: chr17-8535443-A-G. GRCh37 (hg19) VCF-style: chr17-8438761-A-G.
Other names: c.1835T>C, p.Val612Ala (NM_001256095.2); c.1838T>C, p.Val613Ala (NM_001375266.1); c.1808T>C, p.Val603Ala (NM_005964.5); short protein forms V603A, V612A, V613A.
Identifiers: ClinVar variation 2577680 (VCV002577680.1), dbSNP rs2544435391, ClinGen allele CA398043050.

ClinVar aggregate classification (germline): Uncertain significance (1 of 4 stars; one submission).

Submission:

GeneDx
Classification: Uncertain significance. Last evaluated: 2023-02-22. Review status: criteria provided, single submitter. Criteria: GeneDx Variant Classification Process June 2021. Collection method: clinical testing. Allele origin: germline. Affected: yes.
Comment: Not observed at significant frequency in large population cohorts (gnomAD); In silico analysis supports that this missense variant has a deleterious effect on protein structure/function; Has not been previously published as pathogenic or benign to our knowledge